The following is an entry in ClinVar:

ClinVar aggregate classification (germline): Pathogenic/Likely pathogenic. Review status: criteria provided, multiple submitters, no conflicts (2 of 4 stars). 2 submissions from 2 submitters: Pathogenic (1); Likely pathogenic (1). Last evaluated 2024-09-06.

Conditions:
Juvenile polyposis syndrome (JPS). Identifiers: Orphanet 2929, MedGen C0345893, MONDO:0017380, OMIM 174900.

Submissions (2):

Labcorp Genetics (formerly Invitae), Labcorp
Classification: Pathogenic for Juvenile polyposis syndrome. Last evaluated: 2024-09-06. Review status: criteria provided, single submitter. Criteria: Invitae Variant Classification Sherloc (09022015). Collection method: clinical testing. Allele origin: germline.
Comment: This sequence change creates a premature translational stop signal (p.Pro465Argfs*33) in the BMPR1A gene. While this is not anticipated to result in nonsense mediated decay, it is expected to disrupt the last 68 amino acid(s) of the BMPR1A protein. This variant is not present in population databases (gnomAD no frequency). This variant has not been reported in the literature in individuals affected with BMPR1A-related conditions. This variant disrupts a region of the BMPR1A protein in which other variant(s) (p.Trp504*) have been determined to be pathogenic (internal data). This suggests that this is a clinically significant region of the protein, and that variants that disrupt it are likely to be disease-causing. For these reasons, this variant has been classified as Pathogenic.

Myriad Genetics, Inc.
Classification: Likely pathogenic for Juvenile polyposis syndrome. Last evaluated: 2023-11-20. Review status: criteria provided, single submitter. Criteria: Myriad Autosomal Dominant, Autosomal Recessive and X-Linked Classification Criteria (2023). Collection method: clinical testing. Allele origin: unknown.
Comment: This variant is considered likely pathogenic. This variant creates a frameshift predicted to result in premature protein truncation.

NM_004329.3(BMPR1A):c.1394del (p.Pro465fs)

Gene: BMPR1A (bone morphogenetic protein receptor type 1A; plus strand). Cytogenetic location: 10q23.2.
Variant type: Deletion.
Coding change: c.1394del on transcript NM_004329.3 (MANE Select); coding-DNA position 1394, one base deleted (C; older notation c.1394delC).
Protein change: p.Pro465fs; shifts the reading frame from proline 465.
Molecular consequence: frameshift variant. On other transcripts: non-coding transcript variant (3).
Genome position (GRCh38, 1-based): chr10:86,923,427, C deleted; the last of 2 consecutive C bases (chr10:86,923,426-86,923,427); deleting either gives the same sequence. VCF-style (leftmost placement, unchanged base first): chr10-86923425-TC-T. GRCh37 (hg19) VCF-style: chr10-88683182-TC-T.
Other names: c.1469del, p.Pro490fs (NM_001406559.1); c.1442del, p.Pro481fs (NM_001406560.1); c.1394del, p.Pro465fs (NM_001406561.1, NM_001406562.1, NM_001406563.1 and 19 more transcripts); c.1388del, p.Pro463fs (NM_001406583.1); c.1310del, p.Pro437fs (NM_001406584.1, NM_001406585.1, NM_001406586.1 and 2 more transcripts); c.1052del, p.Pro351fs (NM_001406589.1); short protein forms P351fs, P437fs, P463fs, P465fs, P481fs, P490fs.
Identifiers: ClinVar variation 2673911 (VCV002673911.4), dbSNP rs2539648615, ClinGen allele CA2695201007.